The following is an entry in ClinVar:

NM_000059.4(BRCA2):c.6164T>C (p.Phe2055Ser)

Gene: BRCA2 (BRCA2 DNA repair associated; plus strand). Cytogenetic location: 13q13.1.
Variant type: single nucleotide variant.
Coding change: c.6164T>C on transcript NM_000059.4 (MANE Select); coding-DNA position 6164, T replaced by C.
Protein change: p.Phe2055Ser; replaces phenylalanine 2055 with serine.
Molecular consequence: missense variant.
Genome position (GRCh38, 1-based): chr13:32,340,519, T>C. VCF-style: chr13-32340519-T-C. GRCh37 (hg19) VCF-style: chr13-32914656-T-C.
Other names: short protein forms F2055S.
Identifiers: ClinVar variation 1018048 (VCV001018048.10), dbSNP rs2072548028, ClinGen allele CA387788333.

ClinVar aggregate classification (germline): Conflicting classifications of pathogenicity. Review status: criteria provided, conflicting classifications (1 of 4 stars). 2 submissions from 2 submitters: Uncertain significance (1); Likely benign (1). Last evaluated 2023-11-13.

Conditions:
Hereditary cancer-predisposing syndrome. Also called: Tumor predisposition; Neoplastic Syndromes, Hereditary; Hereditary neoplastic syndrome; Hereditary Cancer Syndrome. Identifiers: Orphanet 140162, MedGen C0027672, MeSH D009386, MONDO:0015356.
Hereditary breast ovarian cancer syndrome. Also called: BRCA1- and BRCA2-Associated Hereditary Breast and Ovarian Cancer; Hereditary breast and/or ovarian cancer syndrome; Hereditary breast and ovarian cancer syndrome; Hereditary breast and ovarian cancer; Hereditary breast and ovarian cancer syndrome (HBOC); Breast and ovarian cancer. Identifiers: Orphanet 145, MedGen C0677776, MeSH D061325, MONDO:0003582. Disease mechanism: loss of function.

Allele frequency attached by ClinVar (database versions not stated): gnomAD exomes below 0.00001.
gnomAD v4.1: 1 of 1,613,644 alleles (0.000062%); highest among the groups gnomAD compares: Non-Finnish European, 0.000085%; no homozygotes.

Submissions (2):

Labcorp Genetics (formerly Invitae), Labcorp
Classification: Uncertain significance for Hereditary breast ovarian cancer syndrome. Last evaluated: 2023-11-13. Review status: criteria provided, single submitter. Criteria: Invitae Variant Classification Sherloc (09022015). Collection method: clinical testing. Allele origin: germline.
Comment: This sequence change replaces phenylalanine, which is neutral and non-polar, with serine, which is neutral and polar, at codon 2055 of the BRCA2 protein (p.Phe2055Ser). This variant is not present in population databases (gnomAD no frequency). This variant has not been reported in the literature in individuals affected with BRCA2-related conditions. ClinVar contains an entry for this variant (Variation ID: 1018048). Advanced modeling of protein sequence and biophysical properties (such as structural, functional, and spatial information, amino acid conservation, physicochemical variation, residue mobility, and thermodynamic stability) performed at Invitae indicates that this missense variant is not expected to disrupt BRCA2 protein function with a negative predictive value of 95%. In summary, the available evidence is currently insufficient to determine the role of this variant in disease. Therefore, it has been classified as a Variant of Uncertain Significance.

University of Washington Department of Laboratory Medicine, University of Washington
Classification: Likely benign for Hereditary cancer-predisposing syndrome. Last evaluated: 2023-03-23. Review status: criteria provided, single submitter. Criteria: Dines et al. (Genet Med. 2020). Collection method: curation. Allele origin: germline.
Comment: Missense variant in a coldspot region where missense variants are very unlikely to be pathogenic (PMID:31911673).

BRCA2 exon 11 coldspot. Reclassification based on statistical prior probability.